The following is an entry in ClinVar:

ClinVar aggregate classification (germline): Uncertain significance (1 of 4 stars; one submission).

Conditions:
Ellis-van Creveld syndrome (EVC). Also called: EVC-Related Ellis-van Creveld Syndrome; EVC2-Related Ellis-van Creveld Syndrome; Chondroectodermal dysplasia; MESOECTODERMAL DYSPLASIA. Identifiers: Orphanet 289, MedGen C0013903, MONDO:0009162, OMIM 225500.
Curry-Hall syndrome (WAD). Also called: WEYERS ACRODENTAL DYSOSTOSIS. Identifiers: Orphanet 952, MedGen C0457013, MONDO:0008673, OMIM 193530.

Submission:

Labcorp Genetics (formerly Invitae), Labcorp
Classification: Uncertain significance for Curry-Hall syndrome; Ellis-van Creveld syndrome. Last evaluated: 2025-09-02. Review status: criteria provided, single submitter. Criteria: Invitae Variant Classification Sherloc (09022015). Collection method: clinical testing. Allele origin: germline.
Comment: This sequence change replaces valine, which is neutral and non-polar, with methionine, which is neutral and non-polar, at codon 948 of the EVC protein (p.Val948Met). This variant is not present in population databases (gnomAD no frequency). This variant has not been reported in the literature in individuals affected with EVC-related conditions. ClinVar contains an entry for this variant (Variation ID: 1975576). Invitae Evidence Modeling of protein sequence and biophysical properties (such as structural, functional, and spatial information, amino acid conservation, physicochemical variation, residue mobility, and thermodynamic stability) indicates that this missense variant is not expected to disrupt EVC protein function with a negative predictive value of 95%. In summary, the available evidence is currently insufficient to determine the role of this variant in disease. Therefore, it has been classified as a Variant of Uncertain Significance.

NM_153717.3(EVC):c.2842G>A (p.Val948Met)

Gene: EVC (EvC ciliary complex subunit 1; plus strand). Cytogenetic location: 4p16.2.
Variant type: single nucleotide variant.
Coding change: c.2842G>A on transcript NM_153717.3 (MANE Select); coding-DNA position 2842, G replaced by A.
Protein change: p.Val948Met; replaces valine 948 with methionine.
Molecular consequence: missense variant.
Genome position (GRCh38, 1-based): chr4:5,810,398, G>A. VCF-style: chr4-5810398-G-A. GRCh37 (hg19) VCF-style: chr4-5812125-G-A.
Other names: c.2842G>A, p.Val948Met (NM_001306090.2); short protein forms V948M.
Identifiers: ClinVar variation 1975576 (VCV001975576.3), dbSNP rs752591755, ClinGen allele CA356153119.